The following is an entry in ClinVar:

NM_014425.5(INVS):c.2272G>A (p.Glu758Lys)

Gene: INVS (inversin; plus strand). Cytogenetic location: 9q31.1.
Variant type: single nucleotide variant.
Coding change: c.2272G>A on transcript NM_014425.5 (MANE Select); coding-DNA position 2272, G replaced by A.
Protein change: p.Glu758Lys; replaces glutamic acid 758 with lysine.
Molecular consequence: missense variant. On other transcripts: non-coding transcript variant (1).
Genome position (GRCh38, 1-based): chr9:100,292,529, G>A. VCF-style: chr9-100292529-G-A. GRCh37 (hg19) VCF-style: chr9-103054811-G-A.
Other names: c.1984G>A, p.Glu662Lys (NM_001318381.2); c.1294G>A, p.Glu432Lys (NM_001318382.2); short protein forms E432K, E758K, E662K.
Identifiers: ClinVar variation 954444 (VCV000954444.8), dbSNP rs767989658, ClinGen allele CA5158589.

ClinVar aggregate classification (germline): Uncertain significance. Review status: criteria provided, multiple submitters, no conflicts (2 of 4 stars). 2 submissions from 2 submitters: Uncertain significance (2). Last evaluated 2023-08-10.

Conditions:
Nephronophthisis. Also called: Juvenile Nephronophthisis. Identifiers: Orphanet 655, MedGen C0687120, MONDO:0019005, HP:0000090.
Infantile nephronophthisis (NPHP2). Also called: Nephronophthisis 2, infantile; Nephronophthisis 2. Identifiers: Orphanet 655, Orphanet 93591, MedGen C1865872, MONDO:0011190, OMIM 602088.

Allele frequency attached by ClinVar (database versions not stated): ExAC 0.00001; gnomAD exomes 0.00003.
gnomAD v4.1: 8 of 1,614,172 alleles (0.0005%); highest among the groups gnomAD compares: Admixed American, 0.012%; no homozygotes.

Submissions (2):

Labcorp Genetics (formerly Invitae), Labcorp
Classification: Uncertain significance for Nephronophthisis. Last evaluated: 2023-08-10. Review status: criteria provided, single submitter. Criteria: Invitae Variant Classification Sherloc (09022015). Collection method: clinical testing. Allele origin: germline.
Comment: This variant is present in population databases (rs767989658, gnomAD 0.02%). This variant has not been reported in the literature in individuals affected with INVS-related conditions. ClinVar contains an entry for this variant (Variation ID: 954444). Algorithms developed to predict the effect of missense changes on protein structure and function output the following: SIFT: "Not Available"; PolyPhen-2: "Benign"; Align-GVGD: "Not Available". The lysine amino acid residue is found in multiple mammalian species, which suggests that this missense change does not adversely affect protein function. In summary, the available evidence is currently insufficient to determine the role of this variant in disease. Therefore, it has been classified as a Variant of Uncertain Significance. This sequence change replaces glutamic acid, which is acidic and polar, with lysine, which is basic and polar, at codon 758 of the INVS protein (p.Glu758Lys).

Fulgent Genetics
Classification: Uncertain significance for Infantile nephronophthisis. Last evaluated: 2021-10-07. Review status: criteria provided, single submitter. Criteria: ACMG Guidelines, 2015. Collection method: clinical testing. Allele origin: unknown.